The following is an entry in ClinVar:

ClinVar aggregate classification (germline): Pathogenic/Likely pathogenic. Review status: criteria provided, multiple submitters, no conflicts (2 of 4 stars). 3 submissions from 3 submitters: Pathogenic (1); Likely pathogenic (1). 1 of the submissions does not count toward it. Last evaluated 2022-02-25.

Conditions:
Familial thoracic aortic aneurysm and aortic dissection (TAAD). Also called: Thoracic aortic aneurysms and dissections. Identifiers: Orphanet 91387, MedGen C4707243, MONDO:0019625.
Marfan syndrome (MFS). Also called: Marfan syndrome type 1; Marfan syndrome, classic; Marfan's syndrome; FBN1-Related Marfan Syndrome; MARFAN SYNDROME, TYPE I. Identifiers: Orphanet 284963, Orphanet 558, MedGen C0024796, MONDO:0007947, OMIM 154700.

Submissions (3):

Labcorp Genetics (formerly Invitae), Labcorp
Classification: Pathogenic for Marfan syndrome; Familial thoracic aortic aneurysm and aortic dissection. Last evaluated: 2022-02-25. Review status: criteria provided, single submitter. Criteria: Invitae Variant Classification Sherloc (09022015). Collection method: clinical testing. Allele origin: germline.
Comment: Advanced modeling of protein sequence and biophysical properties (such as structural, functional, and spatial information, amino acid conservation, physicochemical variation, residue mobility, and thermodynamic stability) performed at Invitae indicates that this missense variant is expected to disrupt FBN1 protein function. For these reasons, this variant has been classified as Pathogenic. This variant affects a cysteine residue in the EGF-like, TGFBP or hybrid motif domains of FBN1. Cysteine residues are believed to be involved in intramolecular disulfide bridges and have been shown to be important for FBN1 protein structure (PMID: 16905551, 19349279). In addition, missense substitutions affecting cysteine residues within these domains are significantly overrepresented among patients with Marfan syndrome (PMID: 16571647, 17701892). ClinVar contains an entry for this variant (Variation ID: 549246). This missense change has been observed in individual(s) with Marfan syndrome (PMID: 8281141). In at least one individual the variant was observed to be de novo. This variant is not present in population databases (gnomAD no frequency). This sequence change replaces cysteine, which is neutral and slightly polar, with phenylalanine, which is neutral and non-polar, at codon 1589 of the FBN1 protein (p.Cys1589Phe).

Centre of Medical Genetics, University of Antwerp
Classification: Likely pathogenic for Marfan syndrome. Last evaluated: 2021-03-01. Review status: criteria provided, single submitter. Criteria: Submitter's publication. Collection method: research. Allele origin: unknown. Affected: yes.
Comment: PM2, PS5, PP4

Center for Medical Genetics Ghent, University of Ghent
Classification: Likely pathogenic for Marfan syndrome. Last evaluated: 2017-11-07. Review status: no assertion criteria provided. Collection method: clinical testing. Allele origin: germline. Affected: yes. Not counted in ClinVar's aggregate classification.

Literature cited by the submitters: PubMed 16905551 (cited by Labcorp Genetics (formerly Invitae), Labcorp); PubMed 19349279 (cited by Labcorp Genetics (formerly Invitae), Labcorp); PubMed 16571647 (cited by Labcorp Genetics (formerly Invitae), Labcorp); PubMed 17701892 (cited by Labcorp Genetics (formerly Invitae), Labcorp); PubMed 8281141 (cited by Labcorp Genetics (formerly Invitae), Labcorp).

NM_000138.5(FBN1):c.4766G>T (p.Cys1589Phe)

Gene: FBN1 (fibrillin 1; minus strand). Cytogenetic location: 15q21.1.
Variant type: single nucleotide variant.
Coding change: c.4766G>T on transcript NM_000138.5 (MANE Select); coding-DNA position 4766, G replaced by T.
Protein change: p.Cys1589Phe; replaces cysteine 1589 with phenylalanine.
Molecular consequence: missense variant.
Genome position (GRCh38, 1-based): chr15:48,465,840, C>A on the plus strand (G>T on the coding strand, the complement: FBN1 is on the minus strand). VCF-style: chr15-48465840-C-A. GRCh37 (hg19) VCF-style: chr15-48758037-C-A.
Other names: short protein forms C1589F.
Identifiers: ClinVar variation 549246 (VCV000549246.22), dbSNP rs1555397024, ClinGen allele CA392351777.